The following is an entry in ClinVar:

ClinVar aggregate classification (germline): Uncertain significance (1 of 4 stars; one submission).

Conditions:
Cardiovascular phenotype. Identifiers: MedGen CN230736.

Allele frequency attached by ClinVar (database versions not stated): gnomAD exomes below 0.00001.
gnomAD v4.1: 1 of 1,614,196 alleles (0.000062%); highest among the groups gnomAD compares: Non-Finnish European, 0.000085%; no homozygotes.

Submission:

Ambry Genetics
Classification: Uncertain significance for Cardiovascular phenotype. Last evaluated: 2022-09-05. Review status: criteria provided, single submitter. Criteria: Ambry Variant Classification Scheme 2023. Collection method: clinical testing. Allele origin: germline.
Comment: The p.A703V variant (also known as c.2108C>T), located in coding exon 15 of the APOB gene, results from a C to T substitution at nucleotide position 2108. The alanine at codon 703 is replaced by valine, an amino acid with similar properties. This amino acid position is conserved. In addition, this alteration is predicted to be tolerated by in silico analysis. Since supporting evidence is limited at this time, the clinical significance of this alteration remains unclear.

NM_000384.3(APOB):c.2108C>T (p.Ala703Val)

Gene: APOB (apolipoprotein B; minus strand). Cytogenetic location: 2p24.1.
Variant type: single nucleotide variant.
Coding change: c.2108C>T on transcript NM_000384.3 (MANE Select); coding-DNA position 2108, C replaced by T.
Protein change: p.Ala703Val; replaces alanine 703 with valine.
Molecular consequence: missense variant.
Genome position (GRCh38, 1-based): chr2:21,026,924, G>A on the plus strand (C>T on the coding strand, the complement: APOB is on the minus strand). VCF-style: chr2-21026924-G-A. GRCh37 (hg19) VCF-style: chr2-21249796-G-A.
Other names: short protein forms A703V.
Identifiers: ClinVar variation 1786009 (VCV001786009.2), dbSNP rs2465417149, ClinGen allele CA346013335.